The following is an entry in ClinVar:

NM_020771.4(HACE1):c.1951G>A (p.Ala651Thr)

Gene: HACE1 (HECT domain and ankyrin repeat containing E3 ubiquitin protein ligase 1; minus strand). Cytogenetic location: 6q16.3.
Variant type: single nucleotide variant.
Coding change: c.1951G>A on transcript NM_020771.4 (MANE Select); coding-DNA position 1951, G replaced by A.
Protein change: p.Ala651Thr; replaces alanine 651 with threonine.
Molecular consequence: missense variant. On other transcripts: non-coding transcript variant (7).
Genome position (GRCh38, 1-based): chr6:104,771,988, C>T on the plus strand (G>A on the coding strand, the complement: HACE1 is on the minus strand). VCF-style: chr6-104771988-C-T. GRCh37 (hg19) VCF-style: chr6-105219863-C-T.
Other names: c.1819G>A, p.Ala607Thr (NM_001321080.2); c.1849G>A, p.Ala617Thr (NM_001321083.2); c.1447G>A, p.Ala483Thr (NM_001321084.2, NM_001350557.2, NM_001350558.2); c.1717G>A, p.Ala573Thr (NM_001350554.2); c.1660G>A, p.Ala554Thr (NM_001350555.2); c.1465G>A, p.Ala489Thr (NM_001350556.2); c.1369G>A, p.Ala457Thr (NM_001350559.2); c.1168G>A, p.Ala390Thr (NM_001350560.2); short protein forms A489T, A607T, A390T, A554T, A651T, A457T, A483T, A573T.
Identifiers: ClinVar variation 4979649 (VCV004979649.1).

ClinVar aggregate classification (germline): Likely benign (1 of 4 stars; one submission).

Conditions:
HACE1-related disorder. Also called: HACE1-related condition.

gnomAD v4.1: 78 of 1,609,566 alleles (0.0048%); highest among the groups gnomAD compares: East Asian, 0.074%; 1 homozygote.

Submission:

PreventionGenetics, part of Exact Sciences
Classification: Likely benign for HACE1-related condition. Last evaluated: 2025-01-28. Review status: criteria provided, single submitter. Criteria: ACMG Guidelines, 2015. Collection method: clinical testing. Allele origin: germline.
Comment: This variant is classified as likely benign based on ACMG/AMP sequence variant interpretation guidelines (Richards et al. 2015 PMID: 25741868, with internal and published modifications).